The following is an entry in ClinVar:

ClinVar aggregate classification (germline): Uncertain significance (1 of 4 stars; one submission).

Submission:

CeGaT Center for Human Genetics Tuebingen
Classification: Uncertain significance. Last evaluated: 2024-02-01. Review status: criteria provided, single submitter. Criteria: CeGaT Center For Human Genetics Tuebingen Variant Classification Criteria Version 2. Collection method: clinical testing. Allele origin: germline. Affected: yes. Observed: 1 variant allele.
Comment: TCF20: PM2, PM4:Supporting

NM_001378418.1(TCF20):c.1923TGG[1] (p.Gly643del)

Gene: TCF20 (transcription factor 20; minus strand). Cytogenetic location: 22q13.2.
Variant type: Microsatellite.
Coding change: c.1923TGG[1] on transcript NM_001378418.1 (MANE Select); one copy of the 3-base unit TGG starting at c.1923; the reference has two copies in a row; one copy, 3 bases deleted.
Protein change: p.Gly643del; deletes glycine 643.
Molecular consequence: inframe deletion.
Genome position (GRCh38, 1-based): chr22:42,213,378-42,213,380, CCA deleted on the plus strand (TGG on the coding strand, the reverse complement: TCF20 is on the minus strand); deleting any 3 consecutive bases within chr22:42,213,378-42,213,383 gives the same sequence; the position shown is the placement nearest the transcript's 3' end. VCF-style (leftmost placement, unchanged base first): chr22-42213377-CCCA-C. GRCh37 (hg19) VCF-style: chr22-42609383-CCCA-C.
Other names: c.1923TGG[1], p.Gly643del (NM_005650.4, NM_181492.3); short protein forms G643del.
Identifiers: ClinVar variation 3025718 (VCV003025718.22), dbSNP rs2518231585, ClinGen allele CA913088215.